The following is an entry in ClinVar:

NM_001099403.2(PRDM8):c.1453G>T (p.Gly485Cys)

Gene: PRDM8 (PR/SET domain 8; plus strand). Cytogenetic location: 4q21.21.
Variant type: single nucleotide variant.
Coding change: c.1453G>T on transcript NM_001099403.2 (MANE Select); coding-DNA position 1453, G replaced by T.
Protein change: p.Gly485Cys; replaces glycine 485 with cysteine.
Molecular consequence: missense variant.
Genome position (GRCh38, 1-based): chr4:80,202,915, G>T. VCF-style: chr4-80202915-G-T. GRCh37 (hg19) VCF-style: chr4-81124069-G-T.
Other names: c.1453G>T, p.Gly485Cys (NM_020226.4); short protein forms G485C.
Identifiers: ClinVar variation 1357826 (VCV001357826.8), dbSNP rs1024569997, ClinGen allele CA100001105.
Genomic context (GRCh38, chr4:80,202,915, plus strand): 5'-CAGCTGGGCAGCGCGGGCAGCACCAGCGGTGGGGGCGGAACGGGCGCCGGGGCCGCAGGC[G>T]GCGCGGGCGGGGGCCAGGGCGCCGCGTCGGACGAGCGCAAAAGCGCCTTCTCGCAGCCAG-3'
Protein context (NP_001092873.1, residues 475-495): GGGTGAGAAG[Gly485Cys]AGGGQGAASD

ClinVar aggregate classification (germline): Uncertain significance (1 of 4 stars; one submission).

Conditions:
Early-onset Lafora body disease. Also called: Epilepsy, progressive myoclonic, 10. Identifiers: Orphanet 324290, MedGen C4225258, MONDO:0014717, OMIM 616640.

Allele frequency attached by ClinVar (database versions not stated): gnomAD 0.00001.
gnomAD v4.1: 3 of 1,347,658 alleles (0.00022%); highest among the groups gnomAD compares: African/African-American, 0.0046%; no homozygotes.

Submission:

Labcorp Genetics (formerly Invitae), Labcorp
Classification: Uncertain significance for Early-onset Lafora body disease. Last evaluated: 2021-02-07. Review status: criteria provided, single submitter. Criteria: Invitae Variant Classification Sherloc (09022015). Collection method: clinical testing. Allele origin: germline.
Comment: In summary, the available evidence is currently insufficient to determine the role of this variant in disease. Therefore, it has been classified as a Variant of Uncertain Significance. Algorithms developed to predict the effect of missense changes on protein structure and function are either unavailable or do not agree on the potential impact of this missense change (SIFT: "Deleterious"; PolyPhen-2: "Benign"; Align-GVGD: "Class C0"). This sequence change replaces glycine with cysteine at codon 485 of the PRDM8 protein (p.Gly485Cys). The glycine residue is weakly conserved and there is a large physicochemical difference between glycine and cysteine. The frequency data for this variant in the population databases is considered unreliable, as metrics indicate insufficient coverage at this position in the ExAC database. This variant has not been reported in the literature in individuals with PRDM8-related conditions.